The following is an entry in ClinVar:

NM_014365.3(HSPB8):c.44G>A (p.Arg15His)

Gene: HSPB8 (heat shock protein family B (small) member 8; plus strand). Cytogenetic location: 12q24.23.
Variant type: single nucleotide variant.
Coding change: c.44G>A on transcript NM_014365.3 (MANE Select); coding-DNA position 44, G replaced by A.
Protein change: p.Arg15His; replaces arginine 15 with histidine.
Molecular consequence: missense variant.
Genome position (GRCh38, 1-based): chr12:119,179,356, G>A. VCF-style: chr12-119179356-G-A. GRCh37 (hg19) VCF-style: chr12-119617161-G-A.
Other names: short protein forms R15H.
Identifiers: ClinVar variation 1356495 (VCV001356495.6), dbSNP rs752348447, ClinGen allele CA6819484.

ClinVar aggregate classification (germline): Uncertain significance (1 of 4 stars; one submission).

Conditions:
Charcot-Marie-Tooth disease axonal type 2L. Also called: Charcot-Marie-Tooth Neuropathy Type 2L; CHARCOT-MARIE-TOOTH DISEASE, AXONAL, AUTOSOMAL DOMINANT, TYPE 2L; CHARCOT-MARIE-TOOTH NEUROPATHY, AXONAL, TYPE 2L. Identifiers: Orphanet 99945, MedGen C1837552, MONDO:0012096, OMIM 608673.

Allele frequency attached by ClinVar (database versions not stated): TOPMed below 0.00001; ExAC 0.00001; gnomAD exomes 0.00001.
gnomAD v4.1: 4 of 1,614,078 alleles (0.00025%); highest among the groups gnomAD compares: East Asian, 0.0067%; no homozygotes.

Submission:

Labcorp Genetics (formerly Invitae), Labcorp
Classification: Uncertain significance for Charcot-Marie-Tooth disease axonal type 2L. Last evaluated: 2025-02-18. Review status: criteria provided, single submitter. Criteria: Invitae Variant Classification Sherloc (09022015). Collection method: clinical testing. Allele origin: germline.
Comment: This sequence change replaces arginine, which is basic and polar, with histidine, which is basic and polar, at codon 15 of the HSPB8 protein (p.Arg15His). This variant is present in population databases (rs752348447, gnomAD 0.006%). This variant has not been reported in the literature in individuals affected with HSPB8-related conditions. ClinVar contains an entry for this variant (Variation ID: 1356495). An algorithm developed to predict the effect of missense changes on protein structure and function (PolyPhen-2) suggests that this variant is likely to be disruptive. In summary, the available evidence is currently insufficient to determine the role of this variant in disease. Therefore, it has been classified as a Variant of Uncertain Significance.